The following is an entry in ClinVar:

NM_153813.3(ZFPM1):c.1839C>A (p.Arg613=)

Gene: ZFPM1 (zinc finger protein, FOG family member 1; plus strand). Cytogenetic location: 16q24.2.
Variant type: single nucleotide variant.
Coding change: c.1839C>A on transcript NM_153813.3 (MANE Select); coding-DNA position 1839, C replaced by A.
Protein change: p.Arg613=; no amino-acid change (arginine 613 retained).
Molecular consequence: synonymous variant.
Genome position (GRCh38, 1-based): chr16:88,533,797, C>A. VCF-style: chr16-88533797-C-A. GRCh37 (hg19) VCF-style: chr16-88600205-C-A.
Identifiers: ClinVar variation 4875325 (VCV004875325.2).

ClinVar aggregate classification (germline): Likely benign (1 of 4 stars; one submission).

Submission:

CeGaT Center for Human Genetics Tuebingen
Classification: Likely benign. Last evaluated: 2026-06-01. Review status: criteria provided, single submitter. Criteria: CeGaT Center For Human Genetics Tuebingen Variant Classification Criteria Version 2. Collection method: clinical testing. Allele origin: germline. Affected: yes. Observed: 1 variant allele.
Comment: ZFPM1: PM2:Supporting, BP4, BP7